The following is an entry in ClinVar:

NM_001032283.3(TMPO):c.26C>T (p.Ser9Leu)

Genes: TMPO (thymopoietin; plus strand), TMPO-AS1 (TMPO antisense RNA 1; minus strand). Cytogenetic location: 12q23.1.
Variant type: single nucleotide variant.
Coding change: c.26C>T on transcript NM_001032283.3 (MANE Select); coding-DNA position 26, C replaced by T.
Protein change: p.Ser9Leu; replaces serine 9 with leucine.
Molecular consequence: missense variant. On other transcripts: non-coding transcript variant (1).
Genome position (GRCh38, 1-based): chr12:98,515,893, C>T. VCF-style: chr12-98515893-C-T. GRCh37 (hg19) VCF-style: chr12-98909671-C-T.
Other names: c.26C>T, p.Ser9Leu (NM_001032284.3, NM_001307975.2, NM_003276.2); short protein forms S9L.
Identifiers: ClinVar variation 2562958 (VCV002562958.4), dbSNP rs1285853015, ClinGen allele CA386239277.

ClinVar aggregate classification (germline): Uncertain significance. Review status: criteria provided, multiple submitters, no conflicts (2 of 4 stars). 2 submissions from 2 submitters: Uncertain significance (2). Last evaluated 2024-12-04.

Conditions:
Loeys-Dietz syndrome 2 (LDS2). Also called: Marfan syndrome, type 2 (formerly); AORTIC ANEURYSM, FAMILIAL THORACIC 3; MARFAN SYNDROME, TYPE II; TGFBR2-Related Loeys-Dietz Syndrome; Marfan Syndrome type 2; Marfan like connective tissue disorder. Identifiers: Orphanet 284973, Orphanet 558, MedGen C2674574, MONDO:0012427, OMIM 610168.

gnomAD v4.1: 9 of 1,613,612 alleles (0.00056%); highest among the groups gnomAD compares: African/African-American, 0.0013%; no homozygotes.

Submissions (2):

Labcorp Genetics (formerly Invitae), Labcorp
Classification: Uncertain significance for Loeys-Dietz syndrome 2. Last evaluated: 2024-12-04. Review status: criteria provided, single submitter. Criteria: Invitae Variant Classification Sherloc (09022015). Collection method: clinical testing. Allele origin: germline.
Comment: This sequence change replaces serine, which is neutral and polar, with leucine, which is neutral and non-polar, at codon 9 of the TMPO protein (p.Ser9Leu). This variant is not present in population databases (gnomAD no frequency). This variant has not been reported in the literature in individuals affected with TMPO-related conditions. ClinVar contains an entry for this variant (Variation ID: 2562958). An algorithm developed to predict the effect of missense changes on protein structure and function (PolyPhen-2) suggests that this variant is likely to be disruptive. In summary, the available evidence is currently insufficient to determine the role of this variant in disease. Therefore, it has been classified as a Variant of Uncertain Significance.

Ambry Genetics
Classification: Uncertain significance. Last evaluated: 2023-04-18. Review status: criteria provided, single submitter. Criteria: Ambry Variant Classification Scheme 2023. Collection method: clinical testing. Allele origin: germline.
Comment: The p.S9L variant (also known as c.26C>T), located in coding exon 1 of the TMPO gene, results from a C to T substitution at nucleotide position 26. The serine at codon 9 is replaced by leucine, an amino acid with dissimilar properties. This amino acid position is conserved. In addition, this alteration is predicted to be deleterious by in silico analysis. Since supporting evidence is limited at this time, the clinical significance of this alteration remains unclear.